The following is an entry in ClinVar:

NM_000297.4(PKD2):c.1794T>A (p.Phe598Leu)

Gene: PKD2 (polycystin 2, transient receptor potential cation channel; plus strand). Cytogenetic location: 4q22.1.
Variant type: single nucleotide variant.
Coding change: c.1794T>A on transcript NM_000297.4 (MANE Select); coding-DNA position 1794, T replaced by A.
Protein change: p.Phe598Leu; replaces phenylalanine 598 with leucine.
Molecular consequence: missense variant. On other transcripts: non-coding transcript variant (1).
Genome position (GRCh38, 1-based): chr4:88,056,163, T>A. VCF-style: chr4-88056163-T-A. GRCh37 (hg19) VCF-style: chr4-88977315-T-A.
Other names: short protein forms F598L.
Identifiers: ClinVar variation 3664955 (VCV003664955.2).

ClinVar aggregate classification (germline): Uncertain significance (1 of 4 stars; one submission).

Conditions:
Autosomal dominant polycystic kidney disease. Identifiers: Orphanet 730, MedGen C0085413, MONDO:0004691.

gnomAD v4.1: 1 of 1,613,468 alleles (0.000062%); highest among the groups gnomAD compares: Non-Finnish European, 0.000085%; no homozygotes.

Submission:

Labcorp Genetics (formerly Invitae), Labcorp
Classification: Uncertain significance for Autosomal dominant polycystic kidney disease. Last evaluated: 2024-09-23. Review status: criteria provided, single submitter. Criteria: Invitae Variant Classification Sherloc (09022015). Collection method: clinical testing. Allele origin: germline.
Comment: This sequence change replaces phenylalanine, which is neutral and non-polar, with leucine, which is neutral and non-polar, at codon 598 of the PKD2 protein (p.Phe598Leu). This variant is not present in population databases (gnomAD no frequency). This variant has not been reported in the literature in individuals affected with PKD2-related conditions. Invitae Evidence Modeling of protein sequence and biophysical properties (such as structural, functional, and spatial information, amino acid conservation, physicochemical variation, residue mobility, and thermodynamic stability) indicates that this missense variant is not expected to disrupt PKD2 protein function with a negative predictive value of 80%. In summary, the available evidence is currently insufficient to determine the role of this variant in disease. Therefore, it has been classified as a Variant of Uncertain Significance.